The following is an entry in ClinVar:

NM_020066.5(FMN2):c.3162T>A (p.Pro1054=)

Gene: FMN2 (formin 2; plus strand). Cytogenetic location: 1q43.
Variant type: single nucleotide variant.
Coding change: c.3162T>A on transcript NM_020066.5 (MANE Select); coding-DNA position 3162, T replaced by A.
Protein change: p.Pro1054=; no amino-acid change (proline 1054 retained).
Molecular consequence: synonymous variant. On other transcripts: intron variant (1).
Genome position (GRCh38, 1-based): chr1:240,207,974, T>A. VCF-style: chr1-240207974-T-A. GRCh37 (hg19) VCF-style: chr1-240371274-T-A.
Other names: c.3174T>A, p.Pro1058= (NM_001305424.2); c.1986+19712T>A (NM_001348094.2).
Identifiers: ClinVar variation 2640169 (VCV002640169.24), dbSNP rs1163555652, ClinGen allele CA424385520.

ClinVar aggregate classification (germline): Likely benign (1 of 4 stars; one submission).

Submission:

CeGaT Center for Human Genetics Tuebingen
Classification: Likely benign. Last evaluated: 2026-01-01. Review status: criteria provided, single submitter. Criteria: CeGaT Center For Human Genetics Tuebingen Variant Classification Criteria Version 2. Collection method: clinical testing. Allele origin: germline. Affected: yes. Observed: 2 variant alleles.
Comment: FMN2: BP4, BP7